The following is an entry in ClinVar:

NM_001134673.4(NFIA):c.1291T>C (p.Phe431Leu)

Gene: NFIA (nuclear factor I A; plus strand). Cytogenetic location: 1p31.3.
Variant type: single nucleotide variant.
Coding change: c.1291T>C on transcript NM_001134673.4 (MANE Select); coding-DNA position 1291, T replaced by C.
Protein change: p.Phe431Leu; replaces phenylalanine 431 with leucine.
Molecular consequence: missense variant.
Genome position (GRCh38, 1-based): chr1:61,406,598, T>C. VCF-style: chr1-61406598-T-C. GRCh37 (hg19) VCF-style: chr1-61872270-T-C.
Other names: c.1267T>C, p.Phe423Leu (NM_001145511.2); c.1426T>C, p.Phe476Leu (NM_001145512.2); c.1291T>C, p.Phe431Leu (NM_005595.5); short protein forms F423L, F431L, F476L.
Identifiers: ClinVar variation 3897118 (VCV003897118.1).

ClinVar aggregate classification (germline): Uncertain significance (1 of 4 stars; one submission).

Submission:

GeneDx
Classification: Uncertain significance. Last evaluated: 2024-11-05. Review status: criteria provided, single submitter. Criteria: GeneDx Variant Classification Process June 2021. Collection method: clinical testing. Allele origin: germline. Affected: yes.
Comment: Not observed at significant frequency in large population cohorts (gnomAD); In silico analysis supports that this missense variant has a deleterious effect on protein structure/function; Has not been previously published as pathogenic or benign to our knowledge.